The following is an entry in ClinVar:

ClinVar aggregate classification (germline): Benign (3 of 4 stars; one submission).

Conditions:
Breast-ovarian cancer, familial, susceptibility to, 1 (BROVCA1). Also called: BRCA1 Hereditary Breast and Ovarian Cancer; OVARIAN CANCER, SUSCEPTIBILITY TO. Identifiers: Orphanet 145, MedGen C2676676, MONDO:0011450, OMIM 604370. Disease mechanism: loss of function.

Submission:

Evidence-based Network for the Interpretation of Germline Mutant Alleles (ENIGMA)
Classification: Benign for Breast-ovarian cancer, familial, susceptibility to, 1. Last evaluated: 2016-09-28. Review status: reviewed by expert panel. Criteria: ENIGMA BRCA1/2 Classification Criteria (2015). Collection method: curation. Allele origin: germline.
Comment: Class 1 not pathogenic based on frequency >1% in an outbred sampleset. Frequency 0.2922 (European), 0.0545 (African), 0.1873 (Admixed American/Latino), 0.0327 (East Asian), 0.2035 (South Asian), derived from 1000 genomes (2013-05-02).

NM_007294.4(BRCA1):c.4675+1455dup

Gene: BRCA1 (BRCA1 DNA repair associated; minus strand). Cytogenetic location: 17q21.31.
Variant type: Duplication.
Coding change: c.4675+1455dup on transcript NM_007294.4 (MANE Select); 1455 bases into the intron after coding-DNA position 4675, one base duplicated (A; older notation c.4675+1455dupA).
Molecular consequence: intron variant.
Genome position (GRCh38, 1-based): chr17:43,072,876, T duplicated on the plus strand (A on the coding strand, the reverse complement: BRCA1 is on the minus strand); the first of 15 consecutive T bases (chr17:43,072,876-43,072,890); duplicating any one gives the same sequence. VCF-style (leftmost placement, unchanged base first): chr17-43072875-G-GT. GRCh37 (hg19) VCF-style: chr17-41224892-G-GT.
Other names: c.1363+1455dup (NM_001407979.1, NM_001407982.1, NM_001407980.1 and 12 more transcripts); c.1366+1455dup (NM_001407977.1, NM_001407976.1, NM_001407974.1 and 3 more transcripts); c.4669+1455dup (NM_001407642.1, NM_001407634.1, NM_001407632.1 and 14 more transcripts); c.4672+1455dup (NM_001407625.1, NM_001407619.1, NM_001407610.1 and 17 more transcripts); c.4675+1455dup (NM_001407684.1, NM_001407594.1, NM_001407593.1 and 8 more transcripts); c.4738+1455dup (NM_001407583.1, NM_001407587.1, NM_001407585.1 and 1 more transcripts); c.4534+1455dup (NM_001407724.1, NM_001407697.1, NM_001407728.1 and 13 more transcripts); c.4528+1455dup (NM_001407838.1, NM_001407848.1, NM_001407839.1 and 12 more transcripts); and 71 more.
Identifiers: ClinVar variation 264848 (VCV000264848.2), dbSNP rs533819030, ClinGen allele CA10588207.